The following is an entry in ClinVar:

NM_025132.4(WDR19):c.512C>T (p.Thr171Met)

Gene: WDR19 (WD repeat domain 19; plus strand). Cytogenetic location: 4p14.
Variant type: single nucleotide variant.
Coding change: c.512C>T on transcript NM_025132.4 (MANE Select); coding-DNA position 512, C replaced by T.
Protein change: p.Thr171Met; replaces threonine 171 with methionine.
Molecular consequence: missense variant.
Genome position (GRCh38, 1-based): chr4:39,199,583, C>T. VCF-style: chr4-39199583-C-T. GRCh37 (hg19) VCF-style: chr4-39201203-C-T.
Other names: c.32C>T, p.Thr11Met (NM_001317924.2); short protein forms T11M, T171M.
Identifiers: ClinVar variation 1372536 (VCV001372536.8), dbSNP rs777646123, ClinGen allele CA2891635.

ClinVar aggregate classification (germline): Uncertain significance. Review status: criteria provided, multiple submitters, no conflicts (2 of 4 stars). 3 submissions from 3 submitters: Uncertain significance (3). Last evaluated 2023-08-17.

Conditions:
Asphyxiating thoracic dystrophy 5 (SRTD5). Also called: SHORT-RIB THORACIC DYSPLASIA 5 WITHOUT POLYDACTYLY; SHORT-RIB THORACIC DYSPLASIA 5 WITH OR WITHOUT POLYDACTYLY. Identifiers: Orphanet 474, MedGen C3280598, MONDO:0013717, OMIM 614376.
Nephronophthisis 13 (NPHP13). Identifiers: Orphanet 655, MedGen C3280612, MONDO:0013718, OMIM 614377.
Cranioectodermal dysplasia 4 (CED4). Identifiers: Orphanet 1515, MedGen C3280616, MONDO:0013719, OMIM 614378.
Spermatogenic failure 72 (SPGF72). Identifiers: MedGen C5676980, MONDO:0030809, OMIM 619867.
Senior-Loken syndrome 8 (SLSN8). Identifiers: Orphanet 3156, MedGen C4225376, MONDO:0014579, OMIM 616307.

Allele frequency attached by ClinVar (database versions not stated): gnomAD 0.00002; TOPMed 0.00002; ExAC 0.00004.
gnomAD v4.1: 39 of 1,612,034 alleles (0.0024%); highest among the groups gnomAD compares: Admixed American, 0.013%; no homozygotes.

Submissions (3):

Labcorp Genetics (formerly Invitae), Labcorp
Classification: Uncertain significance for Senior-Loken syndrome 8; Asphyxiating thoracic dystrophy 5. Last evaluated: 2023-08-17. Review status: criteria provided, single submitter. Criteria: Invitae Variant Classification Sherloc (09022015). Collection method: clinical testing. Allele origin: germline.
Comment: This variant is present in population databases (rs777646123, gnomAD 0.02%). This variant has not been reported in the literature in individuals affected with WDR19-related conditions. ClinVar contains an entry for this variant (Variation ID: 1372536). Advanced modeling of protein sequence and biophysical properties (such as structural, functional, and spatial information, amino acid conservation, physicochemical variation, residue mobility, and thermodynamic stability) performed at Invitae indicates that this missense variant is not expected to disrupt WDR19 protein function. In summary, the available evidence is currently insufficient to determine the role of this variant in disease. Therefore, it has been classified as a Variant of Uncertain Significance. This sequence change replaces threonine, which is neutral and polar, with methionine, which is neutral and non-polar, at codon 171 of the WDR19 protein (p.Thr171Met).

Fulgent Genetics
Classification: Uncertain significance for Asphyxiating thoracic dystrophy 5; Nephronophthisis 13; Cranioectodermal dysplasia 4; Senior-Loken syndrome 8; Spermatogenic failure 72. Last evaluated: 2021-09-21. Review status: criteria provided, single submitter. Criteria: ACMG Guidelines, 2015. Collection method: clinical testing. Allele origin: unknown.

Blueprint Genetics
Classification: Uncertain significance. Last evaluated: 2018-11-04. Review status: criteria provided, single submitter. Criteria: ACMG Guidelines, 2015. Collection method: clinical testing. Allele origin: germline.